The following is an entry in ClinVar:

NM_019892.6(INPP5E):c.1104C>T (p.His368=)

Gene: INPP5E (inositol polyphosphate-5-phosphatase E; minus strand). Cytogenetic location: 9q34.3.
Variant type: single nucleotide variant.
Coding change: c.1104C>T on transcript NM_019892.6 (MANE Select); coding-DNA position 1104, C replaced by T.
Protein change: p.His368=; no amino-acid change (histidine 368 retained).
Molecular consequence: synonymous variant.
Genome position (GRCh38, 1-based): chr9:136,433,210, G>A on the plus strand (C>T on the coding strand, the complement: INPP5E is on the minus strand). VCF-style: chr9-136433210-G-A. GRCh37 (hg19) VCF-style: chr9-139327662-G-A.
Other names: c.1104C>T, p.His368= (NM_001318502.2); c.1104C>T (NM_019892.5).
Identifiers: ClinVar variation 365889 (VCV000365889.15), dbSNP rs148592275, ClinGen allele CA5336950.

ClinVar aggregate classification (germline): Conflicting classifications of pathogenicity. Review status: criteria provided, conflicting classifications (1 of 4 stars). 3 submissions from 3 submitters: Uncertain significance (1); Likely benign (1). 1 of the submissions does not count toward it. Last evaluated 2025-12-20.

Conditions:
INPP5E-related disorder. Also called: INPP5E-related condition.
Joubert syndrome 1 (JBTS1). Also called: Cerebellooculorenal syndrome 1; CEREBELLOPARENCHYMAL DISORDER IV. Identifiers: MedGen C4551568, MONDO:0008944, OMIM 213300.
Joubert syndrome. Also called: Familial aplasia of the vermis; JOUBERT-BOLTSHAUSER SYNDROME. Identifiers: Orphanet 475, MedGen C5979921, MONDO:0018772.

Allele frequency attached by ClinVar (database versions not stated): gnomAD 0.00007 and 0.00006; ESP Exome Variant Server 0.00008; gnomAD exomes 0.00002 and 0.00005; TOPMed 0.00003; ExAC 0.00001.
gnomAD v4.1: 80 of 1,589,222 alleles (0.005%); highest among the groups gnomAD compares: East Asian, 0.058%; no homozygotes.

Submissions (3):

Labcorp Genetics (formerly Invitae), Labcorp
Classification: Likely benign for Joubert syndrome. Last evaluated: 2025-12-20. Review status: criteria provided, single submitter. Criteria: Invitae Variant Classification Sherloc (09022015). Collection method: clinical testing. Allele origin: germline.

Illumina Laboratory Services, Illumina
Classification: Uncertain significance for Joubert syndrome 1. Last evaluated: 2018-01-13. Review status: criteria provided, single submitter. Criteria: ICSL Variant Classification Criteria 13 December 2019. Collection method: clinical testing. Allele origin: germline.

PreventionGenetics, part of Exact Sciences
Classification: Likely benign for INPP5E-related condition. Last evaluated: 2019-12-30. Review status: no assertion criteria provided. Collection method: clinical testing. Allele origin: germline. Not counted in ClinVar's aggregate classification.
Comment: This variant is classified as likely benign based on ACMG/AMP sequence variant interpretation guidelines (Richards et al. 2015 PMID: 25741868, with internal and published modifications).